The following is an entry in ClinVar:

NM_001128840.3(CACNA1D):c.2918A>G (p.Gln973Arg)

Gene: CACNA1D (calcium voltage-gated channel subunit alpha1 D; plus strand). Cytogenetic location: 3p21.1.
Variant type: single nucleotide variant.
Coding change: c.2918A>G on transcript NM_001128840.3 (MANE Select); coding-DNA position 2918, A replaced by G.
Protein change: p.Gln973Arg; replaces glutamine 973 with arginine.
Molecular consequence: missense variant.
Genome position (GRCh38, 1-based): chr3:53,743,117, A>G. VCF-style: chr3-53743117-A-G. GRCh37 (hg19) VCF-style: chr3-53777144-A-G.
Other names: c.2978A>G, p.Gln993Arg (NM_000720.4); c.2918A>G, p.Gln973Arg (NM_001128839.3); short protein forms Q993R, Q973R.
Identifiers: ClinVar variation 1488983 (VCV001488983.6), dbSNP rs537772338, ClinGen allele CA2454382.

ClinVar aggregate classification (germline): Uncertain significance (1 of 4 stars; one submission).

Allele frequency attached by ClinVar (database versions not stated): ExAC 0.00001; gnomAD exomes 0.00001.
gnomAD v4.1: 9 of 1,598,256 alleles (0.00056%); highest among the groups gnomAD compares: Non-Finnish European, 0.00077%; no homozygotes.

Submission:

Labcorp Genetics (formerly Invitae), Labcorp
Classification: Uncertain significance. Last evaluated: 2025-07-06. Review status: criteria provided, single submitter. Criteria: Invitae Variant Classification Sherloc (09022015). Collection method: clinical testing. Allele origin: germline.
Comment: This sequence change replaces glutamine, which is neutral and polar, with arginine, which is basic and polar, at codon 993 of the CACNA1D protein (p.Gln993Arg). This variant is present in population databases (rs537772338, gnomAD 0.003%). This variant has not been reported in the literature in individuals affected with CACNA1D-related conditions. ClinVar contains an entry for this variant (Variation ID: 1488983). An algorithm developed to predict the effect of missense changes on protein structure and function (PolyPhen-2) suggests that this variant is likely to be disruptive. In summary, the available evidence is currently insufficient to determine the role of this variant in disease. Therefore, it has been classified as a Variant of Uncertain Significance.